The following is an entry in ClinVar:

NM_007294.4(BRCA1):c.1358A>G (p.Glu453Gly)

Gene: BRCA1 (BRCA1 DNA repair associated; minus strand). Cytogenetic location: 17q21.31.
Variant type: single nucleotide variant.
Coding change: c.1358A>G on transcript NM_007294.4 (MANE Select); coding-DNA position 1358, A replaced by G.
Protein change: p.Glu453Gly; replaces glutamic acid 453 with glycine.
Molecular consequence: missense variant. On other transcripts: intron variant (137).
Genome position (GRCh38, 1-based): chr17:43,094,173, T>C on the plus strand (A>G on the coding strand, the complement: BRCA1 is on the minus strand). VCF-style: chr17-43094173-T-C. GRCh37 (hg19) VCF-style: chr17-41246190-T-C.
Other names: c.646+571A>G (NM_001408454.1, NM_001408455.1, NM_001408466.1 and 11 more transcripts); c.706+571A>G (NM_001408413.1, NM_001408416.1); c.586+571A>G (NM_001408476.1, NM_001408474.1); c.709+571A>G (NM_001408409.1, NM_001408414.1, NM_001408411.1 and 2 more transcripts); c.574+571A>G (NM_001408493.1, NM_001408490.1, NM_001408491.1); c.454+571A>G (NM_001408502.1); c.577+571A>G (NM_001408489.1, NM_001408479.1, NM_001408492.1 and 9 more transcripts); c.661+571A>G (NM_001408445.1, NM_001408432.1, NM_001408448.1 and 6 more transcripts); and 40 more; short protein forms E326G, E385G, E405G, E426G, E157G, E341G, E386G, E452G.
Identifiers: ClinVar variation 4828182 (VCV004828182.1).

ClinVar aggregate classification (germline): Uncertain significance (1 of 4 stars; one submission).

Conditions:
Hereditary cancer-predisposing syndrome. Also called: Neoplastic Syndromes, Hereditary; Tumor predisposition; Hereditary Cancer Syndrome; Hereditary neoplastic syndrome. Identifiers: Orphanet 140162, MedGen C0027672, MeSH D009386, MONDO:0015356.

gnomAD v4.1: 1 of 1,614,058 alleles (0.000062%); highest among the groups gnomAD compares: Non-Finnish European, 0.000085%; no homozygotes.

Submission:

Ambry Genetics
Classification: Uncertain significance for Hereditary cancer-predisposing syndrome. Last evaluated: 2026-02-05. Review status: criteria provided, single submitter. Criteria: Ambry Variant Classification Scheme 2023. Collection method: clinical testing. Allele origin: germline.
Comment: The p.E453G variant (also known as c.1358A>G), located in coding exon 9 of the BRCA1 gene, results from an A to G substitution at nucleotide position 1358. The glutamic acid at codon 453 is replaced by glycine, an amino acid with similar properties. This amino acid position is not well conserved in available vertebrate species. In addition, the in silico prediction for this alteration is inconclusive. Based on the available evidence, the clinical significance of this variant remains unclear.